The following is an entry in ClinVar:

NM_001244008.2(KIF1A):c.3463A>G (p.Asn1155Asp)

Gene: KIF1A (kinesin family member 1A; minus strand). Cytogenetic location: 2q37.3.
Variant type: single nucleotide variant.
Coding change: c.3463A>G on transcript NM_001244008.2 (MANE Select); coding-DNA position 3463, A replaced by G.
Protein change: p.Asn1155Asp; replaces asparagine 1155 with aspartic acid.
Molecular consequence: missense variant.
Genome position (GRCh38, 1-based): chr2:240,745,429, T>C on the plus strand (A>G on the coding strand, the complement: KIF1A is on the minus strand). VCF-style: chr2-240745429-T-C. GRCh37 (hg19) VCF-style: chr2-241684846-T-C.
Other names: c.3187A>G, p.Asn1063Asp (NM_001320705.2, NM_001330289.2, NM_001379638.1); c.3262A>G, p.Asn1088Asp (NM_001330290.2, NM_001379634.1, NM_001379635.1 and 1 more transcripts); c.3538A>G, p.Asn1180Asp (NM_001379631.1); c.3412A>G, p.Asn1138Asp (NM_001379632.1); c.3436A>G, p.Asn1146Asp (NM_001379633.1, NM_001379642.1, NM_001379645.1); c.3160A>G, p.Asn1054Asp (NM_001379636.1, NM_001379639.1, NM_001379641.1 and 6 more transcripts); c.3235A>G, p.Asn1079Asp (NM_001379637.1, NM_001379648.1); c.3157A>G, p.Asn1053Asp (NM_001379640.1); short protein forms N1063D, N1079D, N1138D, N1180D, N1053D, N1088D, N1146D, N1054D.
Identifiers: ClinVar variation 2932561 (VCV002932561.3), dbSNP rs2537275951, ClinGen allele CA351317226.

ClinVar aggregate classification (germline): Uncertain significance (1 of 4 stars; one submission).

Conditions:
Neuropathy, hereditary sensory, type 2C. Also called: Hereditary sensory and autonomic neuropathy type IIC; KIF1A-Related HSAN2 (HSAN2C). Identifiers: Orphanet 970, MedGen C3280168, MONDO:0013634, OMIM 614213.
Hereditary spastic paraplegia 30. Identifiers: Orphanet 101010, MedGen C5235139, MONDO:0012476.
Intellectual disability, autosomal dominant 9 (NESCAVS). Also called: NESCAV SYNDROME; KIF1A-Related Neurodevelopmental Disorder. Identifiers: Orphanet 662367, MedGen C5393830, MONDO:0013656, OMIM 614255.

Submission:

Labcorp Genetics (formerly Invitae), Labcorp
Classification: Uncertain significance for Hereditary spastic paraplegia 30; Neuropathy, hereditary sensory, type 2C; Intellectual disability, autosomal dominant 9. Last evaluated: 2023-12-23. Review status: criteria provided, single submitter. Criteria: Invitae Variant Classification Sherloc (09022015). Collection method: clinical testing. Allele origin: germline.
Comment: This sequence change replaces asparagine, which is neutral and polar, with aspartic acid, which is acidic and polar, at codon 1054 of the KIF1A protein (p.Asn1054Asp). This variant is not present in population databases (gnomAD no frequency). This variant has not been reported in the literature in individuals affected with KIF1A-related conditions. An algorithm developed to predict the effect of missense changes on protein structure and function (PolyPhen-2) suggests that this variant is likely to be tolerated. In summary, the available evidence is currently insufficient to determine the role of this variant in disease. Therefore, it has been classified as a Variant of Uncertain Significance.